The following is an entry in ClinVar:

ClinVar aggregate classification (germline): Uncertain significance. Review status: criteria provided, multiple submitters, no conflicts (2 of 4 stars). 2 submissions from 2 submitters: Uncertain significance (2). Last evaluated 2025-07-10.

Conditions:
Hereditary breast ovarian cancer syndrome. Also called: BRCA1- and BRCA2-Associated Hereditary Breast and Ovarian Cancer; Breast and ovarian cancer; Hereditary breast and ovarian cancer; Hereditary breast and ovarian cancer syndrome (HBOC); Hereditary breast and ovarian cancer syndrome; Hereditary breast and/or ovarian cancer syndrome. Identifiers: Orphanet 145, MedGen C0677776, MeSH D061325, MONDO:0003582. Disease mechanism: loss of function.

gnomAD v4.1: 1 of 1,614,068 alleles (0.000062%); no homozygotes.

Submissions (2):

Institute for Biomarker Research, Medical Diagnostic Laboratories, L.L.C.
Classification: Uncertain significance for Hereditary breast ovarian cancer syndrome. Last evaluated: 2025-07-10. Review status: criteria provided, single submitter. Criteria: ACMG Guidelines, 2015. Collection method: clinical testing. Allele origin: germline.
Comment: The missense variant NM_007294.4(BRCA1):c.2966T>C (p.Phe989Ser) has not been reported previously as a pathogenic variant nor as a benign variant, to our knowledge. The p.Phe989Ser variant is novel (not in any individuals) in 1kG. There is a large physicochemical difference between phenylalanine and serine, which is likely to impact secondary protein structure as these residues differ in polarity, charge, size and/or other properties. The gene BRCA1 has a low rate of benign missense variation as indicated by a high missense variants Z-Score of 2.32. The gene BRCA1 contains 267 pathogenic missense variants, indicating that missense variants are a common mechanism of disease in this gene. For these reasons, this variant has been classified as Uncertain Significance.

Labcorp Genetics (formerly Invitae), Labcorp
Classification: Uncertain significance for Hereditary breast ovarian cancer syndrome. Last evaluated: 2024-07-05. Review status: criteria provided, single submitter. Criteria: Invitae Variant Classification Sherloc (09022015). Collection method: clinical testing. Allele origin: germline.
Comment: This sequence change replaces phenylalanine, which is neutral and non-polar, with serine, which is neutral and polar, at codon 989 of the BRCA1 protein (p.Phe989Ser). This variant is not present in population databases (gnomAD no frequency). This variant has not been reported in the literature in individuals affected with BRCA1-related conditions. Advanced modeling of protein sequence and biophysical properties (such as structural, functional, and spatial information, amino acid conservation, physicochemical variation, residue mobility, and thermodynamic stability) performed at Invitae indicates that this missense variant is not expected to disrupt BRCA1 protein function with a negative predictive value of 95%. In summary, the available evidence is currently insufficient to determine the role of this variant in disease. Therefore, it has been classified as a Variant of Uncertain Significance.

NM_007294.4(BRCA1):c.2966T>C (p.Phe989Ser)

Gene: BRCA1 (BRCA1 DNA repair associated; minus strand). Cytogenetic location: 17q21.31.
Variant type: single nucleotide variant.
Coding change: c.2966T>C on transcript NM_007294.4 (MANE Select); coding-DNA position 2966, T replaced by C.
Protein change: p.Phe989Ser; replaces phenylalanine 989 with serine.
Molecular consequence: missense variant. On other transcripts: intron variant (137).
Genome position (GRCh38, 1-based): chr17:43,092,565, A>G on the plus strand (T>C on the coding strand, the complement: BRCA1 is on the minus strand). VCF-style: chr17-43092565-A-G. GRCh37 (hg19) VCF-style: chr17-41244582-A-G.
Other names: c.2753T>C, p.Phe918Ser (NM_001407571.1, NM_001407853.1, NM_001407894.1 and 9 more transcripts); c.2966T>C, p.Phe989Ser (NM_001407581.1, NM_001407582.1, NM_001407583.1 and 30 more transcripts); c.2963T>C, p.Phe988Ser (NM_001407587.1, NM_001407590.1, NM_001407591.1 and 22 more transcripts); c.2957T>C, p.Phe986Ser (NM_001407646.1, NM_001407647.1); c.2843T>C, p.Phe948Ser (NM_001407648.1, NM_001407664.1, NM_001407665.1 and 19 more transcripts); c.2840T>C, p.Phe947Ser (NM_001407649.1, NM_001407670.1, NM_001407671.1 and 11 more transcripts); c.2888T>C, p.Phe963Ser (NM_001407653.1, NM_001407654.1, NM_001407655.1 and 4 more transcripts); c.2885T>C, p.Phe962Ser (NM_001407659.1, NM_001407660.1, NM_001407661.1 and 1 more transcripts); and 41 more; short protein forms F693S, F877S, F918S, F942S, F962S, F988S, F821S, F878S.
Identifiers: ClinVar variation 3697525 (VCV003697525.3), dbSNP rs4986848.